The following is an entry in ClinVar:

NM_001081550.2(THOC2):c.3188A>G (p.Glu1063Gly)

Gene: THOC2 (THO complex subunit 2; minus strand). Cytogenetic location: Xq25.
Variant type: single nucleotide variant.
Coding change: c.3188A>G on transcript NM_001081550.2 (MANE Select); coding-DNA position 3188, A replaced by G.
Protein change: p.Glu1063Gly; replaces glutamic acid 1063 with glycine.
Molecular consequence: missense variant.
Genome position (GRCh38, 1-based): chrX:123,624,190, T>C on the plus strand (A>G on the coding strand, the complement: THOC2 is on the minus strand). VCF-style: chrX-123624190-T-C. GRCh37 (hg19) VCF-style: chrX-122758041-T-C.
Other names: short protein forms E1063G.
Identifiers: ClinVar variation 2573759 (VCV002573759.1), dbSNP rs2520998699, ClinGen allele CA414264886.

ClinVar aggregate classification (germline): Uncertain significance (1 of 4 stars; one submission).

Submission:

GeneDx
Classification: Uncertain significance. Last evaluated: 2023-01-19. Review status: criteria provided, single submitter. Criteria: GeneDx Variant Classification Process June 2021. Collection method: clinical testing. Allele origin: germline. Affected: yes.
Comment: Not observed at significant frequency in large population cohorts (gnomAD); In silico analysis supports that this missense variant has a deleterious effect on protein structure/function; Has not been previously published as pathogenic or benign to our knowledge